The following is an entry in ClinVar:

NM_001868.4(CPA1):c.652G>A (p.Glu218Lys)

Gene: CPA1 (carboxypeptidase A1; plus strand). Cytogenetic location: 7q32.2.
Variant type: single nucleotide variant.
Coding change: c.652G>A on transcript NM_001868.4 (MANE Select); coding-DNA position 652, G replaced by A.
Protein change: p.Glu218Lys; replaces glutamic acid 218 with lysine.
Molecular consequence: missense variant.
Genome position (GRCh38, 1-based): chr7:130,383,750, G>A. VCF-style: chr7-130383750-G-A. GRCh37 (hg19) VCF-style: chr7-130023591-G-A.
Other names: short protein forms E218K.
Identifiers: ClinVar variation 4233081 (VCV004233081.1).

ClinVar aggregate classification (germline): Uncertain significance (1 of 4 stars; one submission).

Conditions:
Hereditary pancreatitis (PCTT). Also called: Hereditary chronic pancreatitis; PRSS1-Related Hereditary Pancreatitis. Identifiers: Orphanet 676, MedGen C0238339, MONDO:0008185, OMIM 167800.

gnomAD v4.1: 1 of 1,614,192 alleles (0.000062%); highest among the groups gnomAD compares: Admixed American, 0.0017%; no homozygotes.

Submission:

Ambry Genetics
Classification: Uncertain significance for Hereditary pancreatitis. Last evaluated: 2025-06-25. Review status: criteria provided, single submitter. Criteria: Ambry Variant Classification Scheme 2023. Collection method: clinical testing. Allele origin: germline.
Comment: The p.E218K variant (also known as c.652G>A), located in coding exon 6 of the CPA1 gene, results from a G to A substitution at nucleotide position 652. The glutamic acid at codon 218 is replaced by lysine, an amino acid with similar properties. This amino acid position is conserved. In addition, the in silico prediction for this alteration is inconclusive. Based on the available evidence, the clinical significance of this variant remains unclear.